The following is an entry in ClinVar:

ClinVar aggregate classification (germline): Uncertain significance (1 of 4 stars; one submission).

Submission:

Women's Health and Genetics/Laboratory Corporation of America, LabCorp
Classification: Uncertain significance. Last evaluated: 2024-06-07. Review status: criteria provided, single submitter. Criteria: LabCorp Variant Classification Summary - May 2015. Collection method: clinical testing. Allele origin: germline.
Comment: Variant summary: MTOR c.2997_2998delinsTA (p.Val1000Ile) results in a conservative amino acid change located in the Serine/threonine-protein kinase mTOR domain (IPR024585) of the encoded protein sequence. Three of five in-silico tools predict a benign effect of the variant on protein function. The variant was absent in 251282 control chromosomes (gnomAD). The available data on variant occurrences in the general population are insufficient to allow any conclusion about variant significance. To our knowledge, no occurrence of c.2997_2998delinsTA in individuals affected with Smith-Kingsmore Syndrome and no experimental evidence demonstrating its impact on protein function have been reported. No submitters have cited clinical-significance assessments for this variant to ClinVar. Based on the evidence outlined above, the variant was classified as uncertain significance.

NM_004958.4(MTOR):c.2997_2998delinsTA (p.Val1000Ile)

Gene: MTOR (mechanistic target of rapamycin kinase; minus strand). Cytogenetic location: 1p36.22.
Variant type: Indel.
Coding change: c.2997_2998delinsTA on transcript NM_004958.4 (MANE Select); coding-DNA positions 2997 to 2998, CG replaced by TA.
Protein change: p.Val1000Ile; replaces valine 1000 with isoleucine.
Molecular consequence: missense variant.
Genome position (GRCh38, 1-based): chr1:11,228,700-11,228,701, CG replaced by TA on the plus strand (CG replaced by TA on the coding strand, the reverse complement: MTOR is on the minus strand). VCF-style: chr1-11228700-CG-TA. GRCh37 (hg19) VCF-style: chr1-11288757-CG-TA.
Other names: c.2997_2998delinsTA, p.Val1000Ile (NM_001386500.1); c.1749_1750delinsTA, p.Val584Ile (NM_001386501.1); short protein forms V1000I, V584I.
Identifiers: ClinVar variation 3339688 (VCV003339688.1).